The following is an entry in ClinVar:

ClinVar aggregate classification (germline): Uncertain significance (1 of 4 stars; one submission).

Conditions:
MHC class II deficiency. Also called: Bare lymphocyte syndrome 2; BLS, TYPE II. Identifiers: Orphanet 572, MedGen C5447452, MONDO:0008855.

Submission:

Labcorp Genetics (formerly Invitae), Labcorp
Classification: Uncertain significance for MHC class II deficiency. Last evaluated: 2021-03-25. Review status: criteria provided, single submitter. Criteria: Invitae Variant Classification Sherloc (09022015). Collection method: clinical testing. Allele origin: germline.
Comment: In summary, the available evidence is currently insufficient to determine the role of this variant in disease. Therefore, it has been classified as a Variant of Uncertain Significance. Algorithms developed to predict the effect of missense changes on protein structure and function (SIFT, PolyPhen-2, Align-GVGD) all suggest that this variant is likely to be disruptive, but these predictions have not been confirmed by published functional studies and their clinical significance is uncertain. This sequence change replaces lysine with asparagine at codon 743 of the CIITA protein (p.Lys743Asn). The lysine residue is highly conserved and there is a moderate physicochemical difference between lysine and asparagine. This variant is not present in population databases (ExAC no frequency). This variant has not been reported in the literature in individuals with CIITA-related conditions.

NM_000246.4(CIITA):c.2229G>T (p.Lys743Asn)

Gene: CIITA (class II major histocompatibility complex transactivator; plus strand). Cytogenetic location: 16p13.13.
Variant type: single nucleotide variant.
Coding change: c.2229G>T on transcript NM_000246.4 (MANE Select); coding-DNA position 2229, G replaced by T.
Protein change: p.Lys743Asn; replaces lysine 743 with asparagine.
Molecular consequence: missense variant. On other transcripts: intron variant (1).
Genome position (GRCh38, 1-based): chr16:10,907,721, G>T. VCF-style: chr16-10907721-G-T. GRCh37 (hg19) VCF-style: chr16-11001578-G-T.
Other names: c.2232G>T, p.Lys744Asn (NM_001286402.1, NM_001379332.1); c.2085G>T, p.Lys695Asn (NM_001379330.1); c.2082G>T, p.Lys694Asn (NM_001379331.1); c.2229G>T, p.Lys743Asn (NM_001379333.1); c.2160G>T, p.Lys720Asn (NM_001379334.1); c.860-1262G>T (NM_001286403.2); short protein forms K743N, K694N, K695N, K720N, K744N.
Identifiers: ClinVar variation 1497878 (VCV001497878.8), dbSNP rs2144735743, ClinGen allele CA394732692.